The following is an entry in ClinVar:

NM_004553.6(NDUFS6):c.288_292del (p.His96fs)

Gene: NDUFS6 (NADH:ubiquinone oxidoreductase subunit S6; plus strand). Cytogenetic location: 5p15.33.
Variant type: Deletion.
Coding change: c.288_292del on transcript NM_004553.6 (MANE Select); coding-DNA positions 288 to 292, 5 bases deleted (CCCAA; older notation c.288_292delCCCAA).
Protein change: p.His96fs; shifts the reading frame from histidine 96.
Molecular consequence: frameshift variant.
Genome position (GRCh38, 1-based): chr5:1,814,440-1,814,444, CCCAA deleted; deleting any 5 consecutive bases within chr5:1,814,439-1,814,444 gives the same sequence; the c. name uses the placement nearest the transcript's 3' end. VCF-style (leftmost placement, unchanged base first): chr5-1814438-CACCCA-C. GRCh37 (hg19) VCF-style: chr5-1814552-CACCCA-C.
Other names: short protein forms H96fs.
Identifiers: ClinVar variation 1497750 (VCV001497750.8), dbSNP rs2111362314, ClinGen allele CA2573138582.
Genomic context (GRCh38, chr5:1,814,438, plus strand): 5'-CCCGTGAGCGAGGTGGAGACTCGGGTGATAGCGTGCGATGGCGGCGGGGGAGCTCTTGGC[CACCCA>C]AAAGTGTATATAAACTTGGTGCGTAGCTGGCCACCTGTGCACATGTTAGGGCAGCCTGCT-3'

ClinVar aggregate classification (germline): Likely pathogenic (1 of 4 stars; one submission).

Submission:

Labcorp Genetics (formerly Invitae), Labcorp
Classification: Likely pathogenic. Last evaluated: 2021-05-16. Review status: criteria provided, single submitter. Criteria: Invitae Variant Classification Sherloc (09022015). Collection method: clinical testing. Allele origin: germline.
Comment: In summary, the currently available evidence indicates that the variant is pathogenic, but additional data are needed to prove that conclusively. Therefore, this variant has been classified as Likely Pathogenic. This variant disrupts the p.Cys115 amino acid residue in NDUFS6. Other variant(s) that disrupt this residue have been determined to be pathogenic (PMID: 28429146, 30948790). This suggests that this residue is clinically significant, and that variants that disrupt this residue are likely to be disease-causing. This variant has not been reported in the literature in individuals with NDUFS6-related conditions. This variant is not present in population databases (ExAC no frequency). This sequence change results in a frameshift in the NDUFS6 gene (p.His96Glnfs*41). While this is not anticipated to result in nonsense mediated decay, it is expected to disrupt the last 29 amino acid(s) of the NDUFS6 protein and extend the protein by 11 additional amino acid residues.

Literature cited by the submitters: PubMed 28429146; PubMed 30948790.